The following is an entry in ClinVar:

ClinVar aggregate classification (germline): Uncertain significance. Review status: criteria provided, multiple submitters, no conflicts (2 of 4 stars). 2 submissions from 2 submitters: Uncertain significance (2). Last evaluated 2023-11-30.

Conditions:
Hereditary cancer-predisposing syndrome. Also called: Neoplastic Syndromes, Hereditary; Hereditary Cancer Syndrome; Tumor predisposition; Hereditary neoplastic syndrome. Identifiers: Orphanet 140162, MedGen C0027672, MeSH D009386, MONDO:0015356.

gnomAD v4.1: 2 of 1,614,070 alleles (0.00012%); highest among the groups gnomAD compares: Non-Finnish European, 0.00017%; no homozygotes.

Submissions (2):

Ambry Genetics
Classification: Uncertain significance for Hereditary cancer-predisposing syndrome. Last evaluated: 2023-11-30. Review status: criteria provided, single submitter. Criteria: Ambry Variant Classification Scheme 2023. Collection method: clinical testing. Allele origin: germline.
Comment: The p.Q1808E variant (also known as c.5422C>G), located in coding exon 40 of the POLE gene, results from a C to G substitution at nucleotide position 5422. The glutamine at codon 1808 is replaced by glutamic acid, an amino acid with highly similar properties. This amino acid position is conserved. In addition, the in silico prediction for this alteration is inconclusive. Since supporting evidence is limited at this time, the clinical significance of this alteration remains unclear.

Labcorp Genetics (formerly Invitae), Labcorp
Classification: Uncertain significance. Last evaluated: 2023-03-13. Review status: criteria provided, single submitter. Criteria: Invitae Variant Classification Sherloc (09022015). Collection method: clinical testing. Allele origin: germline.
Comment: This sequence change replaces glutamine, which is neutral and polar, with glutamic acid, which is acidic and polar, at codon 1808 of the POLE protein (p.Gln1808Glu). In summary, the available evidence is currently insufficient to determine the role of this variant in disease. Therefore, it has been classified as a Variant of Uncertain Significance. Advanced modeling of protein sequence and biophysical properties (such as structural, functional, and spatial information, amino acid conservation, physicochemical variation, residue mobility, and thermodynamic stability) performed at Invitae indicates that this missense variant is not expected to disrupt POLE protein function. ClinVar contains an entry for this variant (Variation ID: 572480). This variant has not been reported in the literature in individuals affected with POLE-related conditions. This variant is not present in population databases (gnomAD no frequency).

NM_006231.4(POLE):c.5422C>G (p.Gln1808Glu)

Gene: POLE (DNA polymerase epsilon, catalytic subunit; minus strand). Cytogenetic location: 12q24.33.
Variant type: single nucleotide variant.
Coding change: c.5422C>G on transcript NM_006231.4 (MANE Select); coding-DNA position 5422, C replaced by G.
Protein change: p.Gln1808Glu; replaces glutamine 1808 with glutamic acid.
Molecular consequence: missense variant.
Genome position (GRCh38, 1-based): chr12:132,639,255, G>C on the plus strand (C>G on the coding strand, the complement: POLE is on the minus strand). VCF-style: chr12-132639255-G-C. GRCh37 (hg19) VCF-style: chr12-133215841-G-C.
Other names: short protein forms Q1808E.
Identifiers: ClinVar variation 572480 (VCV000572480.11), dbSNP rs1167794021, ClinGen allele CA387374944.